The following is an entry in ClinVar:

ClinVar aggregate classification (germline): Uncertain significance (1 of 4 stars; one submission).

Conditions:
Distal myopathy with posterior leg and anterior hand involvement. Also called: WILLIAMS DISTAL MYOPATHY. Identifiers: Orphanet 63273, MedGen C3279722, MONDO:0013550, OMIM 614065.
Myofibrillar myopathy 5. Also called: Filaminopathy (type); FILAMINOPATHY, AUTOSOMAL DOMINANT. Identifiers: Orphanet 171445, MedGen C1836050, MONDO:0012289, OMIM 609524.
Hypertrophic cardiomyopathy 26. Also called: Cardiomyopathy, familial hypertrophic, 26. Identifiers: Orphanet 75249, MedGen C4310749, MONDO:0014883, OMIM 617047.

gnomAD v4.1: 1 of 1,613,096 alleles (0.000062%); no homozygotes.

Submission:

Labcorp Genetics (formerly Invitae), Labcorp
Classification: Uncertain significance for Distal myopathy with posterior leg and anterior hand involvement; Myofibrillar myopathy 5; Hypertrophic cardiomyopathy 26. Last evaluated: 2024-02-05. Review status: criteria provided, single submitter. Criteria: Invitae Variant Classification Sherloc (09022015). Collection method: clinical testing. Allele origin: germline.
Comment: This sequence change replaces arginine, which is basic and polar, with histidine, which is basic and polar, at codon 89 of the FLNC protein (p.Arg89His). This variant is not present in population databases (gnomAD no frequency). This variant has not been reported in the literature in individuals affected with FLNC-related conditions. ClinVar contains an entry for this variant (Variation ID: 472018). Advanced modeling of protein sequence and biophysical properties (such as structural, functional, and spatial information, amino acid conservation, physicochemical variation, residue mobility, and thermodynamic stability) has been performed at Invitae for this missense variant, however the output from this modeling did not meet the statistical confidence thresholds required to predict the impact of this variant on FLNC protein function. In summary, the available evidence is currently insufficient to determine the role of this variant in disease. Therefore, it has been classified as a Variant of Uncertain Significance.

NM_001458.5(FLNC):c.266G>A (p.Arg89His)

Gene: FLNC (filamin C; plus strand). Cytogenetic location: 7q32.1.
Variant type: single nucleotide variant.
Coding change: c.266G>A on transcript NM_001458.5 (MANE Select); coding-DNA position 266, G replaced by A.
Protein change: p.Arg89His; replaces arginine 89 with histidine.
Molecular consequence: missense variant.
Genome position (GRCh38, 1-based): chr7:128,830,903, G>A. VCF-style: chr7-128830903-G-A. GRCh37 (hg19) VCF-style: chr7-128470957-G-A.
Other names: c.266G>A, p.Arg89His (NM_001127487.2); short protein forms R89H.
Identifiers: ClinVar variation 472018 (VCV000472018.9), dbSNP rs1554396410, ClinGen allele CA369216712.